The following is an entry in ClinVar:

NM_000875.5(IGF1R):c.1384A>G (p.Met462Val)

Gene: IGF1R (insulin like growth factor 1 receptor; plus strand). Cytogenetic location: 15q26.3.
Variant type: single nucleotide variant.
Coding change: c.1384A>G on transcript NM_000875.5 (MANE Select); coding-DNA position 1384, A replaced by G.
Protein change: p.Met462Val; replaces methionine 462 with valine.
Molecular consequence: missense variant.
Genome position (GRCh38, 1-based): chr15:98,908,821, A>G. VCF-style: chr15-98908821-A-G. GRCh37 (hg19) VCF-style: chr15-99452050-A-G.
Other names: c.1384A>G, p.Met462Val (NM_001291858.2); short protein forms M462V.
Identifiers: ClinVar variation 3731000 (VCV003731000.1).

ClinVar aggregate classification (germline): Uncertain significance (1 of 4 stars; one submission).

gnomAD v4.1: 2 of 1,614,160 alleles (0.00012%); highest among the groups gnomAD compares: Non-Finnish European, 0.00017%; no homozygotes.

Submission:

GeneDx
Classification: Uncertain significance. Last evaluated: 2024-08-13. Review status: criteria provided, single submitter. Criteria: GeneDx Variant Classification Process June 2021. Collection method: clinical testing. Allele origin: germline. Affected: yes.
Comment: Not observed at significant frequency in large population cohorts (gnomAD); In silico analysis supports that this missense variant has a deleterious effect on protein structure/function; Has not been previously published as pathogenic or benign to our knowledge